The following is an entry in ClinVar:

NM_001164508.2(NEB):c.706G>C (p.Ala236Pro)

Gene: NEB (nebulin; minus strand). Cytogenetic location: 2q23.3.
Variant type: single nucleotide variant.
Coding change: c.706G>C on transcript NM_001164508.2 (MANE Select); coding-DNA position 706, G replaced by C.
Protein change: p.Ala236Pro; replaces alanine 236 with proline.
Molecular consequence: missense variant.
Genome position (GRCh38, 1-based): chr2:151,723,393, C>G on the plus strand (G>C on the coding strand, the complement: NEB is on the minus strand). VCF-style: chr2-151723393-C-G. GRCh37 (hg19) VCF-style: chr2-152579907-C-G.
Other names: c.706G>C, p.Ala236Pro (NM_001164507.2, NM_001271208.2, NM_004543.5); short protein forms A236P.
Identifiers: ClinVar variation 2169191 (VCV002169191.7), dbSNP rs2099780372, ClinGen allele CA348790332.

ClinVar aggregate classification (germline): Uncertain significance. Review status: criteria provided, multiple submitters, no conflicts (2 of 4 stars). 2 submissions from 2 submitters: Uncertain significance (2). Last evaluated 2025-07-28.

Conditions:
Nemaline myopathy 2 (NEM2). Also called: Nemaline myopathy 2, autosomal recessive. Identifiers: MedGen C1850569, MONDO:0009725, OMIM 256030.

Submissions (2):

Labcorp Genetics (formerly Invitae), Labcorp
Classification: Uncertain significance for Nemaline myopathy 2. Last evaluated: 2025-07-28. Review status: criteria provided, single submitter. Criteria: Invitae Variant Classification Sherloc (09022015). Collection method: clinical testing. Allele origin: germline.
Comment: This sequence change replaces alanine, which is neutral and non-polar, with proline, which is neutral and non-polar, at codon 236 of the NEB protein (p.Ala236Pro). This variant is not present in population databases (gnomAD no frequency). This variant has not been reported in the literature in individuals affected with NEB-related conditions. ClinVar contains an entry for this variant (Variation ID: 2169191). Experimental studies and prediction algorithms are not available or were not evaluated, and the functional significance of this variant is currently unknown. In summary, the available evidence is currently insufficient to determine the role of this variant in disease. Therefore, it has been classified as a Variant of Uncertain Significance.

Revvity Omics, Revvity
Classification: Uncertain significance. Last evaluated: 2021-05-13. Review status: criteria provided, single submitter. Criteria: ACMG Guidelines, 2015. Collection method: clinical testing. Allele origin: germline.